The following is an entry in ClinVar:

ClinVar aggregate classification (germline): Uncertain significance. Review status: criteria provided, multiple submitters, no conflicts (2 of 4 stars). 2 submissions from 2 submitters: Uncertain significance (2). Last evaluated 2024-08-27.

Conditions:
Inborn genetic diseases. Identifiers: MedGen C0950123, MeSH D030342.

Allele frequency attached by ClinVar (database versions not stated): ExAC 0.00001; gnomAD 0.00001; TOPMed 0.00001; gnomAD exomes 0.00004.
gnomAD v4.1: 64 of 1,613,882 alleles (0.004%); highest among the groups gnomAD compares: Non-Finnish European, 0.0053%; no homozygotes.

Submissions (2):

Ambry Genetics
Classification: Uncertain significance for Inborn genetic diseases. Last evaluated: 2024-08-27. Review status: criteria provided, single submitter. Criteria: Ambry Variant Classification Scheme 2023. Collection method: clinical testing. Allele origin: germline.

Labcorp Genetics (formerly Invitae), Labcorp
Classification: Uncertain significance. Last evaluated: 2022-02-20. Review status: criteria provided, single submitter. Criteria: Invitae Variant Classification Sherloc (09022015). Collection method: clinical testing. Allele origin: germline.
Comment: In summary, the available evidence is currently insufficient to determine the role of this variant in disease. Therefore, it has been classified as a Variant of Uncertain Significance. Algorithms developed to predict the effect of missense changes on protein structure and function (SIFT, PolyPhen-2, Align-GVGD) all suggest that this variant is likely to be tolerated. This variant has not been reported in the literature in individuals affected with RNASEH1-related conditions. This variant is present in population databases (rs746354500, gnomAD 0.004%). This sequence change replaces arginine, which is basic and polar, with glycine, which is neutral and non-polar, at codon 72 of the RNASEH1 protein (p.Arg72Gly).

NM_002936.6(RNASEH1):c.214A>G (p.Arg72Gly)

Gene: RNASEH1 (ribonuclease H1; minus strand). Cytogenetic location: 2p25.3.
Variant type: single nucleotide variant.
Coding change: c.214A>G on transcript NM_002936.6 (MANE Select); coding-DNA position 214, A replaced by G.
Protein change: p.Arg72Gly; replaces arginine 72 with glycine.
Molecular consequence: missense variant. On other transcripts: 5 prime UTR variant (1), non-coding transcript variant (6).
Genome position (GRCh38, 1-based): chr2:3,556,819, T>C on the plus strand (A>G on the coding strand, the complement: RNASEH1 is on the minus strand). VCF-style: chr2-3556819-T-C. GRCh37 (hg19) VCF-style: chr2-3604409-T-C.
Other names: c.136A>G, p.Arg46Gly (NM_001286834.3); c.-138A>G (NM_001286837.3); c.214A>G, p.Arg72Gly (NM_001378271.1, NM_001378272.1, NM_001378273.1); c.214A>G (NM_002936.3); short protein forms R46G, R72G.
Identifiers: ClinVar variation 1954716 (VCV001954716.4), dbSNP rs746354500, ClinGen allele CA1516387.